The following is an entry in ClinVar:

NM_001378418.1(TCF20):c.3991G>C (p.Val1331Leu)

Gene: TCF20 (transcription factor 20; minus strand). Cytogenetic location: 22q13.2.
Variant type: single nucleotide variant.
Coding change: c.3991G>C on transcript NM_001378418.1 (MANE Select); coding-DNA position 3991, G replaced by C.
Protein change: p.Val1331Leu; replaces valine 1331 with leucine.
Molecular consequence: missense variant.
Genome position (GRCh38, 1-based): chr22:42,211,315, C>G on the plus strand (G>C on the coding strand, the complement: TCF20 is on the minus strand). VCF-style: chr22-42211315-C-G. GRCh37 (hg19) VCF-style: chr22-42607321-C-G.
Other names: c.3991G>C, p.Val1331Leu (NM_005650.4, NM_181492.3); short protein forms V1331L.
Identifiers: ClinVar variation 2800782 (VCV002800782.3), dbSNP rs2518210403, ClinGen allele CA411785276.

ClinVar aggregate classification (germline): Uncertain significance (1 of 4 stars; one submission).

Submission:

Labcorp Genetics (formerly Invitae), Labcorp
Classification: Uncertain significance. Last evaluated: 2022-10-31. Review status: criteria provided, single submitter. Criteria: Invitae Variant Classification Sherloc (09022015). Collection method: clinical testing. Allele origin: germline.
Comment: This sequence change replaces valine, which is neutral and non-polar, with leucine, which is neutral and non-polar, at codon 1331 of the TCF20 protein (p.Val1331Leu). This variant is not present in population databases (gnomAD no frequency). This variant has not been reported in the literature in individuals affected with TCF20-related conditions. Algorithms developed to predict the effect of missense changes on protein structure and function are either unavailable or do not agree on the potential impact of this missense change (SIFT: "Tolerated"; PolyPhen-2: "Possibly Damaging"; Align-GVGD: "Class C0"). In summary, the available evidence is currently insufficient to determine the role of this variant in disease. Therefore, it has been classified as a Variant of Uncertain Significance.